The following is an entry in ClinVar:

NM_058216.3(RAD51C):c.139A>G (p.Ser47Gly)

Gene: RAD51C (RAD51 paralog C; plus strand). Cytogenetic location: 17q22.
Variant type: single nucleotide variant.
Coding change: c.139A>G on transcript NM_058216.3 (MANE Select); coding-DNA position 139, A replaced by G.
Protein change: p.Ser47Gly; replaces serine 47 with glycine.
Molecular consequence: missense variant. On other transcripts: non-coding transcript variant (1).
Genome position (GRCh38, 1-based): chr17:58,692,782, A>G. VCF-style: chr17-58692782-A-G. GRCh37 (hg19) VCF-style: chr17-56770143-A-G.
Other names: c.139A>G, p.Ser47Gly (NM_002876.4); short protein forms S47G.
Identifiers: ClinVar variation 955442 (VCV000955442.12), dbSNP rs2047818737, ClinGen allele CA400337801.
Genomic context (GRCh38, chr17:58,692,782, plus strand): 5'-CTGGTGTCTGCGGGGTTCCAGACTGCTGAGGAACTCCTAGAGGTGAAACCCTCCGAGCTT[A>G]GCAAAGGTAACGACTCCTGATGGCAAGCTGAGGCACACCGGCCGCCGTCAGCGCCGCCTC-3'
Protein context (NP_478123.1, residues 37-57): ELLEVKPSEL[Ser47Gly]KEVGISKAEA

ClinVar aggregate classification (germline): Uncertain significance. Review status: criteria provided, multiple submitters, no conflicts (2 of 4 stars). 2 submissions from 2 submitters: Uncertain significance (2). Last evaluated 2023-11-17.

Conditions:
Fanconi anemia complementation group O. Also called: RAD51C-Related Fanconi Anemia. Identifiers: Orphanet 84, MedGen C3150653, MONDO:0013248, OMIM 613390.
Hereditary cancer-predisposing syndrome. Also called: Hereditary neoplastic syndrome; Tumor predisposition; Neoplastic Syndromes, Hereditary; Hereditary Cancer Syndrome. Identifiers: Orphanet 140162, MedGen C0027672, MeSH D009386, MONDO:0015356.

Submissions (2):

Labcorp Genetics (formerly Invitae), Labcorp
Classification: Uncertain significance for Fanconi anemia complementation group O. Last evaluated: 2023-11-17. Review status: criteria provided, single submitter. Criteria: Invitae Variant Classification Sherloc (09022015). Collection method: clinical testing. Allele origin: germline.
Comment: This sequence change replaces serine, which is neutral and polar, with glycine, which is neutral and non-polar, at codon 47 of the RAD51C protein (p.Ser47Gly). This variant is not present in population databases (gnomAD no frequency). This variant has not been reported in the literature in individuals affected with RAD51C-related conditions. ClinVar contains an entry for this variant (Variation ID: 955442). Advanced modeling of protein sequence and biophysical properties (such as structural, functional, and spatial information, amino acid conservation, physicochemical variation, residue mobility, and thermodynamic stability) performed at Invitae indicates that this missense variant is not expected to disrupt RAD51C protein function with a negative predictive value of 80%. In summary, the available evidence is currently insufficient to determine the role of this variant in disease. Therefore, it has been classified as a Variant of Uncertain Significance.

Ambry Genetics
Classification: Uncertain significance for Hereditary cancer-predisposing syndrome. Last evaluated: 2022-10-31. Review status: criteria provided, single submitter. Criteria: Ambry Variant Classification Scheme 2023. Collection method: clinical testing. Allele origin: germline.
Comment: The p.S47G variant (also known as c.139A>G), located in coding exon 1 of the RAD51C gene, results from an A to G substitution at nucleotide position 139. The serine at codon 47 is replaced by glycine, an amino acid with similar properties. This amino acid position is conserved. In addition, this alteration is predicted to be tolerated by in silico analysis. Since supporting evidence is limited at this time, the clinical significance of this alteration remains unclear.